The following is an entry in ClinVar:

ClinVar aggregate classification (germline): Benign/Likely benign. Review status: criteria provided, multiple submitters, no conflicts (2 of 4 stars). 2 submissions from 2 submitters: Benign (1); Likely benign (1). Last evaluated 2025-02-11.

Conditions:
AFF4-related disorder. Also called: AFF4-related condition.
Cognitive impairment - coarse facies - heart defects - obesity - pulmonary involvement - short stature - skeletal dysplasia syndrome. Also called: AFF4-Related CHOPS Syndrome; COGNITIVE IMPAIRMENT, COARSE FACIES, HEART DEFECTS, OBESITY, PULMONARY INVOLVEMENT, SHORT STATURE, AND SKELETAL DYSPLASIA; Chops syndrome. Identifiers: Orphanet 444077, MedGen C4085597, MONDO:0014609, OMIM 616368.

Allele frequency attached by ClinVar (database versions not stated): gnomAD 0.00010; TOPMed 0.00010; gnomAD exomes 0.00013; 1000 Genomes Project 0.00040; 1000 Genomes Project 30x 0.00047.
gnomAD v4.1: 104 of 1,612,234 alleles (0.0065%); highest among the groups gnomAD compares: East Asian, 0.16%; no homozygotes.

Submissions (2):

PreventionGenetics, part of Exact Sciences
Classification: Likely benign for AFF4-related condition. Last evaluated: 2025-02-11. Review status: criteria provided, single submitter. Criteria: ACMG Guidelines, 2015. Collection method: clinical testing. Allele origin: germline.
Comment: This variant is classified as likely benign based on ACMG/AMP sequence variant interpretation guidelines (Richards et al. 2015 PMID: 25741868, with internal and published modifications).

Labcorp Genetics (formerly Invitae), Labcorp
Classification: Benign for Cognitive impairment - coarse facies - heart defects - obesity - pulmonary involvement - short stature - skeletal dysplasia syndrome. Last evaluated: 2024-04-20. Review status: criteria provided, single submitter. Criteria: Invitae Variant Classification Sherloc (09022015). Collection method: clinical testing. Allele origin: germline.

NM_014423.4(AFF4):c.1401G>A (p.Pro467=)

Gene: AFF4 (ALF transcription elongation factor 4; minus strand). Cytogenetic location: 5q31.1.
Variant type: single nucleotide variant.
Coding change: c.1401G>A on transcript NM_014423.4 (MANE Select); coding-DNA position 1401, G replaced by A.
Protein change: p.Pro467=; no amino-acid change (proline 467 retained).
Molecular consequence: synonymous variant.
Genome position (GRCh38, 1-based): chr5:132,897,229, C>T on the plus strand (G>A on the coding strand, the complement: AFF4 is on the minus strand). VCF-style: chr5-132897229-C-T. GRCh37 (hg19) VCF-style: chr5-132232921-C-T.
Identifiers: ClinVar variation 707142 (VCV000707142.9), dbSNP rs138376057, ClinGen allele CA3409096.
Genomic context (GRCh38, chr5:132,897,229, plus strand): 5'-TGACACTTTATGTGGGTTCACTTTATTCAGCCAATTATCAAGTTGCCATTTGTTTGTTGG[C>T]GGGGGTTCAGGCTGAAAAACAGAGAAATATGTATGCTTTTTTCGATACTGAATGCTTTTT-3'
Protein context (NP_055238.1, residues 457-477): SQSASPEPEP[Pro467=]PTNKWQLDNW